The following is an entry in ClinVar:

NM_000094.4(COL7A1):c.6751-2_6751-1del

Gene: COL7A1 (collagen type VII alpha 1 chain; minus strand). Cytogenetic location: 3p21.31.
Variant type: Deletion.
Coding change: c.6751-2_6751-1del on transcript NM_000094.4 (MANE Select); the canonical splice acceptor site of the intron before coding-DNA position 6751, 2 bases deleted (AG; older notation c.6751-2_6751-1delAG).
Molecular consequence: splice acceptor variant.
Genome position (GRCh38, 1-based): chr3:48,572,943-48,572,944, CT deleted on the plus strand (AG on the coding strand, the reverse complement: COL7A1 is on the minus strand). VCF-style (leftmost placement, unchanged base first): chr3-48572942-CCT-C. GRCh37 (hg19) VCF-style: chr3-48610375-CCT-C.
Other names: c.6751-2_6751-1delAG (NM_000094.4).
Identifiers: ClinVar variation 1459513 (VCV001459513.9), dbSNP rs760460054, ClinGen allele CA73975951.

ClinVar aggregate classification (germline): Pathogenic. Review status: criteria provided, multiple submitters, no conflicts (2 of 4 stars). 3 submissions from 3 submitters: Pathogenic (3). Last evaluated 2025-03-03.

Conditions:
Transient bullous dermolysis of the newborn (TBDN). Also called: DYSTROPHIC EPIDERMOLYSIS BULLOSA, NEONATAL; EPIDERMOLYSIS BULLOSA DYSTROPHICA, NEONATAL FORM. Identifiers: Orphanet 79411, MedGen C1851573, MONDO:0007548, OMIM 131705.
Recessive dystrophic epidermolysis bullosa (RDEB). Also called: DYSTROPHIC EPIDERMOLYSIS BULLOSA, AUTOSOMAL RECESSIVE; EPIDERMOLYSIS BULLOSA DYSTROPHICA, HALLOPEAU-SIEMENS TYPE; Hallopeau-Siemens Disease; Epidermolysis Bullosa Distrophica Autosomal Recessive (RDEB); severe generalized recessive dystrophic epidermolysis bullosa; EPIDERMOLYSIS BULLOSA DYSTROPHICA, GENERALIZED SEVERE, AUTOSOMAL RECESSIVE. Identifiers: Orphanet 79408, Orphanet 79409, MedGen C0079474, MONDO:0009179, OMIM 226600.

Allele frequency attached by ClinVar (database versions not stated): gnomAD exomes below 0.00001; TOPMed below 0.00001.

Submissions (3):

Women's Health and Genetics/Laboratory Corporation of America, LabCorp
Classification: Pathogenic for Dystrophic Epidermolysis Bullosa, Recessive. Last evaluated: 2025-03-03. Review status: criteria provided, single submitter. Criteria: LabCorp Variant Classification Summary - May 2015. Collection method: clinical testing. Allele origin: germline.
Comment: Variant summary: COL7A1 c.6751-2_6751-1delAG is located in a canonical splice-site and is predicted to affect mRNA splicing resulting in a significantly altered protein due to either exon skipping, shortening, or inclusion of intronic material. Variants that disrupt the consensus splice site are a relatively common cause of aberrant splicing and loss of COL7A1 function. Several computational tools predict a significant impact on normal splicing: Four predict the variant abolishes the canonical 3' acceptor site. However, these predictions have yet to be confirmed by functional studies. The variant was absent in 251150 control chromosomes. c.6751-2_6751-1delAG has been reported in the literature in multiple individuals affected with Dystrophic Epidermolysis Bullosa, Recessive (example, Jerabkova _2010, Kopeckova_2016) . These data indicate that the variant is very likely to be associated with disease. To our knowledge, no experimental evidence demonstrating an impact on protein function has been reported. The following publications have been ascertained in the context of this evaluation (PMID: 20598510, 26707537). ClinVar contains an entry for this variant (Variation ID: 1459513). Based on the evidence outlined above, the variant was classified as pathogenic.

Labcorp Genetics (formerly Invitae), Labcorp
Classification: Pathogenic. Last evaluated: 2024-12-12. Review status: criteria provided, single submitter. Criteria: Invitae Variant Classification Sherloc (09022015). Collection method: clinical testing. Allele origin: germline.
Comment: This sequence change affects a splice site in intron 85 of the COL7A1 gene. It is expected to disrupt splicing. Variants that disrupt the donor or acceptor splice site typically lead to a loss of protein function (PMID: 16199547), and loss-of-function variants in COL7A1 are known to be disease-causing for autosomal recessive dystrophic epidermolysis bullosa (PMID: 16971478). However, certain variants affecting donor or acceptor splice sites in the triple helical domain of COL7A1 are expected to result in in-frame exon skipping and have been reported to cause autosomal dominant dystrophic epidermolysis bullosa (PMID: 31670143). This variant is not present in population databases (gnomAD no frequency). Disruption of this splice site has been observed in individual(s) with autosomal recessive dystrophic epidermolysis bullosa (PMID: 19681861, 24533879). In at least one individual the data is consistent with being in trans (on the opposite chromosome) from a pathogenic variant. This variant is also known as IVS 86-2delAG and 6751-2_1delAG. ClinVar contains an entry for this variant (Variation ID: 1459513). Algorithms developed to predict the effect of sequence changes on RNA splicing suggest that this variant may disrupt the consensus splice site. For these reasons, this variant has been classified as Pathogenic.

Mendelics
Classification: Pathogenic for Transient bullous dermolysis of the newborn. Last evaluated: 2022-05-04. Review status: criteria provided, single submitter. Criteria: Mendelics Assertion Criteria 2019. Collection method: clinical testing. Allele origin: germline.

Literature cited by the submitters: PubMed 20598510 (cited by Women's Health and Genetics/Laboratory Corporation of America, LabCorp); PubMed 26707537 (cited by Women's Health and Genetics/Laboratory Corporation of America, LabCorp); PubMed 16199547 (cited by Labcorp Genetics (formerly Invitae), Labcorp); PubMed 16971478 (cited by Labcorp Genetics (formerly Invitae), Labcorp); PubMed 31670143 (cited by Labcorp Genetics (formerly Invitae), Labcorp); PubMed 19681861 (cited by Labcorp Genetics (formerly Invitae), Labcorp); PubMed 24533879 (cited by Labcorp Genetics (formerly Invitae), Labcorp).